The following is an entry in ClinVar:

NM_000256.3(MYBPC3):c.1699G>T (p.Glu567Ter)

Gene: MYBPC3 (myosin binding protein C3; minus strand). Cytogenetic location: 11p11.2.
Variant type: single nucleotide variant.
Coding change: c.1699G>T on transcript NM_000256.3 (MANE Select); coding-DNA position 1699, G replaced by T.
Protein change: p.Glu567Ter; replaces glutamic acid 567 with a stop codon.
Molecular consequence: nonsense.
Genome position (GRCh38, 1-based): chr11:47,342,082, C>A on the plus strand (G>T on the coding strand, the complement: MYBPC3 is on the minus strand). VCF-style: chr11-47342082-C-A. GRCh37 (hg19) VCF-style: chr11-47363633-C-A.
Other names: short protein forms E567*.
Identifiers: ClinVar variation 2719504 (VCV002719504.3), dbSNP rs2495761341, ClinGen allele CA380324347.

ClinVar aggregate classification (germline): Pathogenic (1 of 4 stars; one submission).

Conditions:
Hypertrophic cardiomyopathy. Also called: HYPERTROPHIC MYOCARDIOPATHY. Identifiers: Orphanet 217569, MedGen C0007194, MeSH D002312, MONDO:0005045, HP:0001639.

Submission:

Labcorp Genetics (formerly Invitae), Labcorp
Classification: Pathogenic for Hypertrophic cardiomyopathy. Last evaluated: 2023-06-20. Review status: criteria provided, single submitter. Criteria: Invitae Variant Classification Sherloc (09022015). Collection method: clinical testing. Allele origin: germline.
Comment: This sequence change creates a premature translational stop signal (p.Glu567*) in the MYBPC3 gene. It is expected to result in an absent or disrupted protein product. Loss-of-function variants in MYBPC3 are known to be pathogenic (PMID: 19574547). This variant is not present in population databases (gnomAD no frequency). This variant has not been reported in the literature in individuals affected with MYBPC3-related conditions. For these reasons, this variant has been classified as Pathogenic.

Literature cited by the submitters: PubMed 19574547.